The following is an entry in ClinVar:

ClinVar aggregate classification (germline): Benign. Review status: criteria provided, multiple submitters, no conflicts (2 of 4 stars). 8 submissions from 8 submitters: Benign (7). 1 of the submissions does not count toward it. Last evaluated 2026-02-04.

Conditions:
Luscan-Lumish syndrome. Identifiers: Orphanet 597738, MedGen C4085873, MONDO:0014791, OMIM 616831.

Allele frequency attached by ClinVar (database versions not stated): TOPMed 0.46482; 1000 Genomes Project 30x 0.46627; 1000 Genomes Project 0.46985; ESP Exome Variant Server 0.47132; gnomAD 0.49386.
gnomAD v4.1: 894,668 of 1,613,586 alleles (55%); highest among the groups gnomAD compares: Non-Finnish European, 57%; 252,442 homozygotes.

Submissions (8):

Labcorp Genetics (formerly Invitae), Labcorp
Classification: Benign for Luscan-Lumish syndrome. Last evaluated: 2026-02-04. Review status: criteria provided, single submitter. Criteria: Invitae Variant Classification Sherloc (09022015). Collection method: clinical testing. Allele origin: germline.

Blueprint Genetics
Classification: Benign. Last evaluated: 2024-11-26. Review status: criteria provided, single submitter. Criteria: ACMG Guidelines, 2015. Collection method: clinical testing. Allele origin: germline.

Mayo Clinic Laboratories, Mayo Clinic
Classification: Benign. Last evaluated: 2021-11-29. Review status: criteria provided, single submitter. Criteria: ACMG Guidelines, 2015. Collection method: clinical testing. Allele origin: germline. Observed: 196 variant alleles.

Genome-Nilou Lab
Classification: Benign for Luscan-Lumish syndrome. Last evaluated: 2021-07-15. Review status: criteria provided, single submitter. Criteria: ACMG Guidelines, 2015. Collection method: clinical testing. Allele origin: germline. Affected: no.

GeneDx
Classification: Benign. Last evaluated: 2018-07-31. Review status: criteria provided, single submitter. Criteria: GeneDx Variant Classification Process June 2021. Collection method: clinical testing. Allele origin: germline. Affected: yes.

Athena Diagnostics
Classification: Benign. Last evaluated: 2017-04-20. Review status: criteria provided, single submitter. Criteria: Athena Diagnostics Criteria. Collection method: clinical testing. Allele origin: germline.

Breakthrough Genomics
Classification: Benign. Review status: criteria provided, single submitter. Criteria: ACMG Guidelines, 2015. Collection method: not provided. Allele origin: germline. Inheritance: Autosomal dominant inheritance. Affected: yes.

ITMI
No classification provided. Condition: AllHighlyPenetrant. Last evaluated: 2013-09-19. Review status: no classification provided. Collection method: reference population. Allele origin: germline. Not counted in ClinVar's aggregate classification.
Comment: Please see associated publication for description of ethnicities

Literature cited by the submitters: PubMed 24728327 (cited by ITMI).

NM_014159.7(SETD2):c.5885C>T (p.Pro1962Leu)

Gene: SETD2 (SET domain containing 2, histone lysine methyltransferase; minus strand). Cytogenetic location: 3p21.31.
Variant type: single nucleotide variant.
Coding change: c.5885C>T on transcript NM_014159.7 (MANE Select); coding-DNA position 5885, C replaced by T.
Protein change: p.Pro1962Leu; replaces proline 1962 with leucine.
Molecular consequence: missense variant. On other transcripts: non-coding transcript variant (1).
Genome position (GRCh38, 1-based): chr3:47,083,895, G>A on the plus strand (C>T on the coding strand, the complement: SETD2 is on the minus strand). VCF-style: chr3-47083895-G-A. GRCh37 (hg19) VCF-style: chr3-47125385-G-A.
Other names: c.5753C>T, p.Pro1918Leu (NM_001349370.3); short protein forms P1962L, P1918L.
Identifiers: ClinVar variation 135202 (VCV000135202.16), dbSNP rs4082155, ClinGen allele CA161999.